The following is an entry in ClinVar:

NM_020207.7(ERCC6L2):c.1639T>G (p.Ser547Ala)

Gene: ERCC6L2 (ERCC excision repair 6 like 2; plus strand). Cytogenetic location: 9q22.32.
Variant type: single nucleotide variant.
Coding change: c.1639T>G on transcript NM_020207.7 (MANE Select); coding-DNA position 1639, T replaced by G.
Protein change: p.Ser547Ala; replaces serine 547 with alanine.
Molecular consequence: missense variant. On other transcripts: non-coding transcript variant (1).
Genome position (GRCh38, 1-based): chr9:95,928,752, T>G. VCF-style: chr9-95928752-T-G. GRCh37 (hg19) VCF-style: chr9-98691034-T-G.
Other names: c.1639T>G, p.Ser547Ala (NM_001375294.1, NM_001010895.4, NM_001375291.1 and 2 more transcripts); short protein forms S547A.
Identifiers: ClinVar variation 5036099 (VCV005036099.1).

ClinVar aggregate classification (germline): Uncertain significance (1 of 4 stars; one submission).

Conditions:
Inborn genetic diseases. Identifiers: MedGen C0950123, MeSH D030342.

Submission:

Ambry Genetics
Classification: Uncertain significance for Inborn genetic diseases. Last evaluated: 2026-08-11. Review status: criteria provided, single submitter. Criteria: Ambry Variant Classification Scheme 2023. Collection method: clinical testing. Allele origin: germline.
Comment: The p.S547A variant (also known as c.1639T>G), located in coding exon 11 of the ERCC6L2 gene, results from a T to G substitution at nucleotide position 1639. The serine at codon 547 is replaced by alanine, an amino acid with similar properties. This amino acid position is conserved. In addition, this alteration is predicted to be tolerated by in silico analysis. Based on the available evidence, the clinical significance of this variant remains unclear.